The following is an entry in ClinVar:

ClinVar aggregate classification (germline): Pathogenic (0 of 4 stars; one submission).

Conditions:
Spondyloepiphyseal dysplasia tarda, X-linked. Also called: SED TARDA, X-LINKED. Identifiers: MedGen C3541456, MONDO:0010737, OMIM 313400.

Submission:

Clinical Genetics Laboratory, Henan Provincial People's Hospital
Classification: Pathogenic for Spondyloepiphyseal dysplasia tarda, X-linked. Last evaluated: 2023-07-05. Review status: no assertion criteria provided. Collection method: clinical testing, in vivo, in vitro. Allele origin: maternal, not applicable. Inheritance: X-linked recessive inheritance. Affected: yes. Observed: 4 variant alleles, 2 heterozygotes, 2 hemizygotes. Clinical features observed: short stature, abnormal walking posture, pain in the back and large joints, narrowing of the intervertebral disc spaces, platyspondyly. Functional consequence: protein truncation.
Comment: The K31X variant was identified in two cousins of a Chinese pedigree diagnosed with spondyloepiphyseal dysplasia tarda (SEDT) based on clinical manifestations and typical X-ray findings, which led to significantly decreased TRAPPC2 mRNA expression in available peripheral blood. Additionally, In vitro functional studies indicate that the K31X variant exhibited significantly lower mRNA and protein levels and changed membrane distribution, which may have decreased COL2A1 expression and collagen II secretions. In summary, the K31X variant is classified as pathogenic based upon the ACMG criteria, segregation studies, and functional evidence.

NM_001011658.4(TRAPPC2):c.91A>T (p.Lys31Ter)

Genes: OFD1 (OFD1 centriole and centriolar satellite protein; plus strand), TRAPPC2 (trafficking protein particle complex subunit 2; minus strand). Cytogenetic location: Xp22.2.
Variant type: single nucleotide variant.
Coding change: c.91A>T on transcript NM_001011658.4 (MANE Select); coding-DNA position 91, A replaced by T.
Protein change: p.Lys31Ter; replaces lysine 31 with a stop codon.
Molecular consequence: nonsense.
Genome position (GRCh38, 1-based): chrX:13,719,873, T>A on the plus strand (A>T on the coding strand, the complement: TRAPPC2 is on the minus strand). VCF-style: chrX-13719873-T-A. GRCh37 (hg19) VCF-style: chrX-13737992-T-A.
Other names: c.193A>T, p.Lys65Ter (NM_001128835.3); c.91A>T, p.Lys31Ter (NM_014563.6); short protein forms K31*, K65*.
Identifiers: ClinVar variation 2575107 (VCV002575107.4), dbSNP rs2518643813, ClinGen allele CA412326946.